The following is an entry in ClinVar:

NM_002439.5(MSH3):c.878A>C (p.His293Pro)

Gene: MSH3 (mutS homolog 3; plus strand). Cytogenetic location: 5q14.1.
Variant type: single nucleotide variant.
Coding change: c.878A>C on transcript NM_002439.5 (MANE Select); coding-DNA position 878, A replaced by C.
Protein change: p.His293Pro; replaces histidine 293 with proline.
Molecular consequence: missense variant.
Genome position (GRCh38, 1-based): chr5:80,672,329, A>C. VCF-style: chr5-80672329-A-C. GRCh37 (hg19) VCF-style: chr5-79968148-A-C.
Other names: short protein forms H293P.
Identifiers: ClinVar variation 1719774 (VCV001719774.8), dbSNP rs2112813850, ClinGen allele CA360267238.

ClinVar aggregate classification (germline): Uncertain significance. Review status: criteria provided, multiple submitters, no conflicts (2 of 4 stars). 2 submissions from 2 submitters: Uncertain significance (2). Last evaluated 2024-02-25.

Conditions:
Hereditary cancer-predisposing syndrome. Also called: Hereditary neoplastic syndrome; Neoplastic Syndromes, Hereditary; Hereditary Cancer Syndrome; Tumor predisposition. Identifiers: Orphanet 140162, MedGen C0027672, MeSH D009386, MONDO:0015356.

Allele frequency attached by ClinVar (database versions not stated): gnomAD exomes below 0.00001.

Submissions (2):

Labcorp Genetics (formerly Invitae), Labcorp
Classification: Uncertain significance. Last evaluated: 2024-02-25. Review status: criteria provided, single submitter. Criteria: Invitae Variant Classification Sherloc (09022015). Collection method: clinical testing. Allele origin: germline.
Comment: This sequence change replaces histidine, which is basic and polar, with proline, which is neutral and non-polar, at codon 293 of the MSH3 protein (p.His293Pro). This variant is not present in population databases (gnomAD no frequency). This variant has not been reported in the literature in individuals affected with MSH3-related conditions. ClinVar contains an entry for this variant (Variation ID: 1719774). An algorithm developed to predict the effect of missense changes on protein structure and function (PolyPhen-2) suggests that this variant is likely to be disruptive. In summary, the available evidence is currently insufficient to determine the role of this variant in disease. Therefore, it has been classified as a Variant of Uncertain Significance.

Ambry Genetics
Classification: Uncertain significance for Hereditary cancer-predisposing syndrome. Last evaluated: 2021-11-09. Review status: criteria provided, single submitter. Criteria: Ambry Variant Classification Scheme 2023. Collection method: clinical testing. Allele origin: germline.
Comment: The p.H293P variant (also known as c.878A>C), located in coding exon 5 of the MSH3 gene, results from an A to C substitution at nucleotide position 878. The histidine at codon 293 is replaced by proline, an amino acid with similar properties. This amino acid position is conserved. In addition, this alteration is predicted to be deleterious by in silico analysis. Since supporting evidence is limited at this time, the clinical significance of this alteration remains unclear.